The following is an entry in ClinVar:

ClinVar aggregate classification (germline): Conflicting classifications of pathogenicity. Review status: criteria provided, conflicting classifications (1 of 4 stars). 3 submissions from 3 submitters: Uncertain significance (2); Likely benign (1). Last evaluated 2025-09-29.

Conditions:
Inborn genetic diseases. Identifiers: MedGen C0950123, MeSH D030342.

Allele frequency attached by ClinVar (database versions not stated): gnomAD 0.00002; TOPMed 0.00002.
gnomAD v4.1: 19 of 1,613,816 alleles (0.0012%); highest among the groups gnomAD compares: Non-Finnish European, 0.0015%; no homozygotes.

Submissions (3):

Labcorp Genetics (formerly Invitae), Labcorp
Classification: Likely benign. Last evaluated: 2025-09-29. Review status: criteria provided, single submitter. Criteria: Invitae Variant Classification Sherloc (09022015). Collection method: clinical testing. Allele origin: germline.

Ambry Genetics
Classification: Uncertain significance for Inborn genetic diseases. Last evaluated: 2025-08-14. Review status: criteria provided, single submitter. Criteria: Ambry Variant Classification Scheme 2023. Collection method: clinical testing. Allele origin: germline.

ARUP Laboratories, Molecular Genetics and Genomics, ARUP Laboratories
Classification: Uncertain significance. Last evaluated: 2020-04-23. Review status: criteria provided, single submitter. Criteria: ARUP Molecular Germline Variant Investigation Process. Collection method: clinical testing. Allele origin: germline.
Comment: The COL2A1 c.157C>G; p.Arg53Gly variant (rs776744207), to our knowledge, is not reported in the medical literature or gene-specific databases. This variant is found on only five chromosomes (5/249384 alleles) in the Genome Aggregation Database. The arginine at codon 53 is moderately conserved, and computational analyses (SIFT: damaging, PolyPhen-2: benign) predict conflicting effects of this variant on protein structure/function. While this variant creates a glycine residue, it does not occur within a repeating Gly-X-Y sequence motif of the collagen triple helix domain (Barat-Houari 2016). Therefore, due to limited information, the clinical significance of the p.Arg53Gly variant is uncertain at this time. References: Barat-Houari M et al. Mutation Update for COL2A1 Gene Variants Associated with Type II Collagenopathies. Hum Mutat. 2016 Jan;37(1):7-15.

NM_001844.5(COL2A1):c.157C>G (p.Arg53Gly)

Gene: COL2A1 (collagen type II alpha 1 chain; minus strand). Cytogenetic location: 12q13.11.
Variant type: single nucleotide variant.
Coding change: c.157C>G on transcript NM_001844.5 (MANE Select); coding-DNA position 157, C replaced by G.
Protein change: p.Arg53Gly; replaces arginine 53 with glycine.
Molecular consequence: missense variant. On other transcripts: intron variant (1).
Genome position (GRCh38, 1-based): chr12:48,000,054, G>C on the plus strand (C>G on the coding strand, the complement: COL2A1 is on the minus strand). VCF-style: chr12-48000054-G-C. GRCh37 (hg19) VCF-style: chr12-48393837-G-C.
Other names: c.86-1623C>G (NM_033150.3); c.157C>G (NM_001844.4); short protein forms R53G.
Identifiers: ClinVar variation 994131 (VCV000994131.53), dbSNP rs776744207, ClinGen allele CA6536084.